The following is an entry in ClinVar:

NM_000891.3(KCNJ2):c.155G>T (p.Gly52Val)

Gene: KCNJ2 (potassium inwardly rectifying channel subfamily J member 2; plus strand). Cytogenetic location: 17q24.3.
Variant type: single nucleotide variant.
Coding change: c.155G>T on transcript NM_000891.3 (MANE Select); coding-DNA position 155, G replaced by T.
Protein change: p.Gly52Val; replaces glycine 52 with valine.
Molecular consequence: missense variant.
Genome position (GRCh38, 1-based): chr17:70,175,194, G>T. VCF-style: chr17-70175194-G-T. GRCh37 (hg19) VCF-style: chr17-68171335-G-T.
Other names: short protein forms G52V.
Identifiers: ClinVar variation 523694 (VCV000523694.4), dbSNP rs1555603894, ClinGen allele CA400859990.
Genomic context (GRCh38, chr17:70,175,194, plus strand): 5'-ACGGGAAGAGTAAAGTCCACACCCGACAACAGTGCAGGAGCCGCTTTGTGAAGAAAGATG[G>T]CCACTGTAATGTTCAGTTCATCAATGTGGGTGAGAAGGGGCAACGGTACCTCGCAGACAT-3'
Protein context (NP_000882.1, residues 42-62): QCRSRFVKKD[Gly52Val]HCNVQFINVG

ClinVar aggregate classification (germline): Likely pathogenic. Review status: criteria provided, multiple submitters, no conflicts (2 of 4 stars). 2 submissions from 2 submitters: Likely pathogenic (2). Last evaluated 2024-02-12.

Conditions:
KCNJ2-related disorder. Also called: KCNJ2-related condition.
Cardiovascular phenotype. Identifiers: MedGen CN230736.

Submissions (2):

Molecular Diagnostic Laboratory for Inherited Cardiovascular Disease, Montreal Heart Institute
Classification: Likely pathogenic for Cardiovascular phenotype. Last evaluated: 2024-02-12. Review status: criteria provided, single submitter. Criteria: ACMG Guidelines, 2015. Collection method: clinical testing. Allele origin: germline. Affected: yes.
Comment: PM2;PS3_supp;PS4_supp;PP2;PP3;PP4

Blueprint Genetics
Classification: Likely pathogenic for KCNJ2-related disorders. Last evaluated: 2020-05-18. Review status: criteria provided, single submitter. Criteria: ACMG Guidelines, 2015. Collection method: clinical testing. Allele origin: germline. Affected: yes. Observed: 2 variant alleles.